The following is an entry in ClinVar:

ClinVar aggregate classification (germline): Likely benign (0 of 4 stars; one submission).

Conditions:
ANKFY1-related disorder. Also called: ANKFY1-related condition.

Allele frequency attached by ClinVar (database versions not stated): gnomAD 0.00001; TOPMed 0.00001.
gnomAD v4.1: 6 of 1,613,594 alleles (0.00037%); highest among the groups gnomAD compares: Non-Finnish European, 0.00042%; no homozygotes.

Submission:

PreventionGenetics, part of Exact Sciences
Classification: Likely benign for ANKFY1-related condition. Last evaluated: 2021-12-01. Review status: no assertion criteria provided. Collection method: clinical testing. Allele origin: germline.
Comment: This variant is classified as likely benign based on ACMG/AMP sequence variant interpretation guidelines (Richards et al. 2015 PMID: 25741868, with internal and published modifications).

NM_001330063.2(ANKFY1):c.481C>T (p.Leu161=)

Gene: ANKFY1 (ankyrin repeat and FYVE domain containing 1; minus strand). Cytogenetic location: 17p13.2.
Variant type: single nucleotide variant.
Coding change: c.481C>T on transcript NM_001330063.2 (MANE Select); coding-DNA position 481, C replaced by T.
Protein change: p.Leu161=; no amino-acid change (leucine 161 retained).
Molecular consequence: synonymous variant. On other transcripts: non-coding transcript variant (1).
Genome position (GRCh38, 1-based): chr17:4,209,925, G>A on the plus strand (C>T on the coding strand, the complement: ANKFY1 is on the minus strand). VCF-style: chr17-4209925-G-A. GRCh37 (hg19) VCF-style: chr17-4113220-G-A.
Other names: c.607C>T, p.Leu203= (NM_001257999.3); c.481C>T, p.Leu161= (NM_016376.5).
Identifiers: ClinVar variation 3061559 (VCV003061559.2), dbSNP rs980415304, ClinGen allele CA287106441.